The following is an entry in ClinVar:

ClinVar aggregate classification (germline): Uncertain significance. Review status: criteria provided, multiple submitters, no conflicts (2 of 4 stars). 4 submissions from 4 submitters: Uncertain significance (4). Last evaluated 2025-01-27.

Conditions:
Inborn genetic diseases. Identifiers: MedGen C0950123, MeSH D030342.
Combined oxidative phosphorylation defect type 20. Also called: Combined oxidative phosphorylation deficiency 20. Identifiers: Orphanet 420728, MedGen C4014660, MONDO:0014397, OMIM 615917.

Allele frequency attached by ClinVar (database versions not stated): ExAC 0.00009; gnomAD exomes 0.00012; 1000 Genomes Project 30x 0.00016; 1000 Genomes Project 0.00020; gnomAD 0.00023 and 0.00028; TOPMed 0.00031.
gnomAD v4.1: 185 of 1,590,610 alleles (0.012%); highest among the groups gnomAD compares: East Asian, 0.049%; 4 homozygotes.

Submissions (4):

Labcorp Genetics (formerly Invitae), Labcorp
Classification: Uncertain significance. Last evaluated: 2025-01-27. Review status: criteria provided, single submitter. Criteria: Invitae Variant Classification Sherloc (09022015). Collection method: clinical testing. Allele origin: germline.
Comment: This sequence change replaces proline, which is neutral and non-polar, with leucine, which is neutral and non-polar, at codon 905 of the VARS2 protein (p.Pro905Leu). This variant is present in population databases (rs376070793, gnomAD 0.06%). This variant has not been reported in the literature in individuals affected with VARS2-related conditions. ClinVar contains an entry for this variant (Variation ID: 1032682). Invitae Evidence Modeling of protein sequence and biophysical properties (such as structural, functional, and spatial information, amino acid conservation, physicochemical variation, residue mobility, and thermodynamic stability) indicates that this missense variant is not expected to disrupt VARS2 protein function with a negative predictive value of 80%. In summary, the available evidence is currently insufficient to determine the role of this variant in disease. Therefore, it has been classified as a Variant of Uncertain Significance.

Mayo Clinic Laboratories, Mayo Clinic
Classification: Uncertain significance. Last evaluated: 2024-03-14. Review status: criteria provided, single submitter. Criteria: ACMG Guidelines, 2015. Collection method: clinical testing. Allele origin: germline. Observed: 1 variant allele.
Comment: BP4

Ambry Genetics
Classification: Uncertain significance for Inborn genetic diseases. Last evaluated: 2022-09-14. Review status: criteria provided, single submitter. Criteria: Ambry Variant Classification Scheme 2023. Collection method: clinical testing. Allele origin: germline.

Baylor Genetics
Classification: Uncertain significance for Combined oxidative phosphorylation defect type 20. Last evaluated: 2018-01-31. Review status: criteria provided, single submitter. Criteria: ACMG Guidelines, 2015. Collection method: clinical testing. Allele origin: maternal. Affected: yes.
Comment: This variant was determined to be of uncertain significance according to ACMG Guidelines, 2015 [PMID:25741868].

NM_020442.6(VARS2):c.2624C>T (p.Pro875Leu)

Gene: VARS2 (valyl-tRNA synthetase 2, mitochondrial; plus strand). Cytogenetic location: 6p21.33.
Variant type: single nucleotide variant.
Coding change: c.2624C>T on transcript NM_020442.6 (MANE Select); coding-DNA position 2624, C replaced by T.
Protein change: p.Pro875Leu; replaces proline 875 with leucine.
Molecular consequence: missense variant.
Genome position (GRCh38, 1-based): chr6:30,924,511, C>T. VCF-style: chr6-30924511-C-T. GRCh37 (hg19) VCF-style: chr6-30892288-C-T.
Other names: p.Pro905Leu; c.2204C>T, p.Pro735Leu (NM_001167733.3); c.2714C>T, p.Pro905Leu (NM_001167734.2); short protein forms P875L, P905L, P735L.
Identifiers: ClinVar variation 1032682 (VCV001032682.7), dbSNP rs376070793, ClinGen allele CA3706319.
Genomic context (GRCh38, chr6:30,924,511, plus strand): 5'-CACTGATGCCCTTCCTGGCTGAAGAGCTCTGGCAGAGGCTGCCCCCCAGGCCTGGTTGCC[C>T]CCCTGCCCCCAGCATCTCGGTTGCCCCCTACCCCAGCGCCTGCAGCTTGGTGAGTCCCAA-3'
Protein context (NP_065175.4, residues 865-885): WQRLPPRPGC[Pro875Leu]PAPSISVAPY